The following is an entry in ClinVar:

ClinVar aggregate classification (germline): Uncertain significance (1 of 4 stars; one submission).

Conditions:
GNAS-related disorder. Identifiers: MedGen CN380105.

Submission:

PreventionGenetics, part of Exact Sciences
Classification: Uncertain significance for GNAS-related condition. Last evaluated: 2024-12-17. Review status: criteria provided, single submitter. Criteria: ACMG Guidelines, 2015. Collection method: clinical testing. Allele origin: germline.
Comment: The GNAS c.1349_1350insCGCCGATCCCGACTCCGGGGCGGCCCCTGACGCCCC variant is predicted to result in an in-frame amino acid insertion (p.Ser455_Asp466dup). To our knowledge, this variant has not been reported in the literature or in gnomAD, indicating this variant is rare. At this time, the clinical significance of this variant is uncertain due to the absence of conclusive functional and genetic evidence.

NM_080425.4(GNAS):c.1349_1350insCGCCGATCCCGACTCCGGGGCGGCCCCTGACGCCCC (p.Asp466_Ala467insSerGlyAlaAlaProAspAlaProAlaAspProAsp)

Gene: GNAS (GNAS complex locus; plus strand). Cytogenetic location: 20q13.32.
Variant type: Insertion.
Coding change: c.1349_1350insCGCCGATCCCGACTCCGGGGCGGCCCCTGACGCCCC on transcript NM_080425.4 (MANE Plus Clinical); coding-DNA positions 1349 to 1350, CGCCGATCCCGACTCCGGGGCGGCCCCTGACGCCCC inserted.
Protein change: p.Asp466_Ala467insSerGlyAlaAlaProAspAlaProAlaAspProAsp.
Molecular consequence: inframe insertion. On other transcripts: intron variant (3).
Genome position: GRCh38: chr20:58,854,614-58,854,615. GRCh37 (hg19): chr20:57,429,669-57,429,670.
Other names: c.1162_1163insCGCCGATCCCGACTCCGGGGCGGCCCCTGACGCCCC, p.Pro387_Gln388insProProIleProThrProGlyArgProLeuThrPro (NM_001077490.3, NM_001309883.1); c.1349_1350insCGCCGATCCCGACTCCGGGGCGGCCCCTGACGCCCC, p.Asp466_Ala467insSerGlyAlaAlaProAspAlaProAlaAspProAsp (NM_001410913.1); c.*42+13728_*42+13729insCGCCGATCCCGACTCCGGGGCGGCCCCTGACGCCCC (NM_016592.5); c.43+13728_43+13729insCGCCGATCCCGACTCCGGGGCGGCCCCTGACGCCCC (NM_001410912.1); c.-39+12739_-39+12740insCGCCGATCCCGACTCCGGGGCGGCCCCTGACGCCCC (NM_001309861.2).
Identifiers: ClinVar variation 4985562 (VCV004985562.1).